The following is an entry in ClinVar:

ClinVar aggregate classification (germline): Uncertain significance. Review status: criteria provided, multiple submitters, no conflicts (2 of 4 stars). 3 submissions from 2 submitters: Uncertain significance (3). Last evaluated 2025-11-05.

Conditions:
Amyotrophic lateral sclerosis type 8 (ALS8). Identifiers: Orphanet 803, MedGen C1837728, MONDO:0012077, OMIM 608627.
Adult-onset proximal spinal muscular atrophy, autosomal dominant. Also called: FINKEL LATE-ADULT TYPE SMA; Spinal muscular atrophy, late-onset, finkel type. Identifiers: Orphanet 209335, MedGen C1854058, MONDO:0008453, OMIM 182980.

Allele frequency attached by ClinVar (database versions not stated): ExAC 0.00005; gnomAD 0.00005; TOPMed 0.00005; gnomAD exomes 0.00006.
gnomAD v4.1: 95 of 1,581,870 alleles (0.006%); highest among the groups gnomAD compares: Non-Finnish European, 0.0076%; no homozygotes.

Submissions (3):

Labcorp Genetics (formerly Invitae), Labcorp
Classification: Uncertain significance for Adult-onset proximal spinal muscular atrophy, autosomal dominant; Amyotrophic lateral sclerosis type 8. Last evaluated: 2025-11-05. Review status: criteria provided, single submitter. Criteria: Invitae Variant Classification Sherloc (09022015). Collection method: clinical testing. Allele origin: germline.
Comment: This sequence change replaces threonine, which is neutral and polar, with alanine, which is neutral and non-polar, at codon 97 of the VAPB protein (p.Thr97Ala). This variant is present in population databases (rs752091117, gnomAD 0.01%). This variant has not been reported in the literature in individuals affected with VAPB-related conditions. ClinVar contains an entry for this variant (Variation ID: 534270). Invitae Evidence Modeling of protein sequence and biophysical properties (such as structural, functional, and spatial information, amino acid conservation, physicochemical variation, residue mobility, and thermodynamic stability) indicates that this missense variant is not expected to disrupt VAPB protein function with a negative predictive value of 80%. In summary, the available evidence is currently insufficient to determine the role of this variant in disease. Therefore, it has been classified as a Variant of Uncertain Significance.

Illumina Laboratory Services, Illumina
Classification: Uncertain significance for Adult-onset proximal spinal muscular atrophy, autosomal dominant. Last evaluated: 2018-01-13. Review status: criteria provided, single submitter. Criteria: ICSL Variant Classification Criteria 13 December 2019. Collection method: clinical testing. Allele origin: germline.

Illumina Laboratory Services, Illumina
Classification: Uncertain significance for Amyotrophic lateral sclerosis type 8. Last evaluated: 2018-01-13. Review status: criteria provided, single submitter. Criteria: ICSL Variant Classification Criteria 13 December 2019. Collection method: clinical testing. Allele origin: germline.

NM_004738.5(VAPB):c.289A>G (p.Thr97Ala)

Gene: VAPB (VAMP associated protein B and C; plus strand). Cytogenetic location: 20q13.32.
Variant type: single nucleotide variant.
Coding change: c.289A>G on transcript NM_004738.5 (MANE Select); coding-DNA position 289, A replaced by G.
Protein change: p.Thr97Ala; replaces threonine 97 with alanine.
Molecular consequence: missense variant. On other transcripts: intron variant (1).
Genome position (GRCh38, 1-based): chr20:58,434,679, A>G. VCF-style: chr20-58434679-A-G. GRCh37 (hg19) VCF-style: chr20-57009735-A-G.
Other names: c.212-9398A>G (NM_001195677.2); short protein forms T97A.
Identifiers: ClinVar variation 534270 (VCV000534270.16), dbSNP rs752091117, ClinGen allele CA9924211.